The following is an entry in ClinVar:

NM_001267550.2(TTN):c.75504T>G (p.Ser25168Arg)

Genes: TTN-AS1 (TTN antisense RNA 1; plus strand), TTN (titin; minus strand). Cytogenetic location: 2q31.2.
Variant type: single nucleotide variant.
Coding change: c.75504T>G on transcript NM_001267550.2 (MANE Select); coding-DNA position 75504, T replaced by G.
Protein change: p.Ser25168Arg; replaces serine 25168 with arginine.
Molecular consequence: missense variant.
Genome position (GRCh38, 1-based): chr2:178,570,628, A>C on the plus strand (T>G on the coding strand, the complement: TTN is on the minus strand). VCF-style: chr2-178570628-A-C. GRCh37 (hg19) VCF-style: chr2-179435355-A-C.
Other names: c.48309T>G, p.Ser16103Arg (NM_003319.4); c.48684T>G, p.Ser16228Arg (NM_133432.3); c.48885T>G, p.Ser16295Arg (NM_133437.4); c.70581T>G, p.Ser23527Arg (NM_001256850.1); c.67800T>G, p.Ser22600Arg (NM_133378.4); short protein forms S22600R, S25168R, S23527R, S16228R, S16295R, S16103R.
Identifiers: ClinVar variation 178189 (VCV000178189.29), dbSNP rs375204371, ClinGen allele CA181717.

ClinVar aggregate classification (germline): Conflicting classifications of pathogenicity. Review status: criteria provided, conflicting classifications (1 of 4 stars). 8 submissions from 8 submitters: Uncertain significance (4); Likely benign (4). Last evaluated 2026-06-15.

Conditions:
TTN-related disorder. Also called: TTN-related condition; TTN-related disease; TTN-related disorders.
Cardiovascular phenotype. Identifiers: MedGen CN230736.
Dilated cardiomyopathy 1G (CMD1G). Identifiers: Orphanet 154, MedGen C1858763, MONDO:0011400, OMIM 604145.
Autosomal recessive limb-girdle muscular dystrophy type 2J (LGMDR10). Also called: Limb-girdle muscular dystrophy, type 2J; MUSCULAR DYSTROPHY, LIMB-GIRDLE, AUTOSOMAL RECESSIVE 10. Identifiers: Orphanet 140922, MedGen C1837342, MONDO:0012127, OMIM 608807.
Cardiomyopathy (CMYO). Also called: Cardiomyopathies. Identifiers: Orphanet 167848, MedGen C0878544, MONDO:0004994, HP:0001638. Inheritance: Various modes of inheritance.

Allele frequency attached by ClinVar (database versions not stated): gnomAD 0.00029 and 0.00030; TOPMed 0.00031; ESP Exome Variant Server 0.00033; 1000 Genomes Project 0.00060; 1000 Genomes Project 30x 0.00078; gnomAD exomes 0.00002 and 0.00008; ExAC 0.00011.
gnomAD v4.1: 73 of 1,613,464 alleles (0.0045%); highest among the groups gnomAD compares: African/African-American, 0.081%; no homozygotes.

Submissions (8):

PreventionGenetics, part of Exact Sciences
Classification: Uncertain significance for TTN-related condition. Last evaluated: 2026-06-15. Review status: criteria provided, single submitter. Criteria: ACMG Guidelines, 2015. Collection method: clinical testing. Allele origin: germline.
Comment: The TTN c.75504T>G variant is predicted to result in the amino acid substitution p.Ser25168Arg. To our knowledge, this variant has not been reported in the literature. This variant is reported in 0.095% of alleles in individuals of African descent in gnomAD. Although we suspect that this variant may be benign, at this time, the clinical significance of this variant is uncertain due to the absence of conclusive functional and genetic evidence.

Labcorp Genetics (formerly Invitae), Labcorp
Classification: Likely benign for Dilated cardiomyopathy 1G; Autosomal recessive limb-girdle muscular dystrophy type 2J. Last evaluated: 2026-02-03. Review status: criteria provided, single submitter. Criteria: Invitae Variant Classification Sherloc (09022015). Collection method: clinical testing. Allele origin: germline.

Revvity Omics, Revvity
Classification: Likely benign. Last evaluated: 2023-05-26. Review status: criteria provided, single submitter. Criteria: ACMG Guidelines, 2015. Collection method: clinical testing. Allele origin: germline.

Ambry Genetics
Classification: Likely benign for Cardiovascular phenotype. Last evaluated: 2019-09-03. Review status: criteria provided, single submitter. Criteria: Ambry Variant Classification Scheme 2023. Collection method: clinical testing. Allele origin: germline.

GeneDx
Classification: Likely benign. Last evaluated: 2018-07-30. Review status: criteria provided, single submitter. Criteria: GeneDx Variant Classification Process June 2021. Collection method: clinical testing. Allele origin: germline. Affected: yes.

CHEO Genetics Diagnostic Laboratory, Children's Hospital of Eastern Ontario
Classification: Uncertain significance for Cardiomyopathy. Last evaluated: 2016-10-12. Review status: criteria provided, single submitter. Criteria: ACMG Guidelines, 2015. Collection method: clinical testing. Allele origin: germline. Study: Canadian Open Genetics Repository.

Eurofins Ntd Llc (ga)
Classification: Uncertain significance. Last evaluated: 2015-10-13. Review status: criteria provided, single submitter. Criteria: EGL Classification Definitions 2015. Collection method: clinical testing. Allele origin: germline. Observed: 1 variant allele, 1 heterozygote.

Laboratory for Molecular Medicine, Mass General Brigham Personalized Medicine
Classification: Uncertain significance. Last evaluated: 2015-05-16. Review status: criteria provided, single submitter. Criteria: LMM Criteria. Collection method: clinical testing. Allele origin: germline. Observed: 1 variant allele.
Comment: Variant classified as Uncertain Significance - Favor Benign. The p.Ser22600Arg v ariant in TTN has not been reported in any other families with DCM, but has been identified in 0.1% (12/9798) of African chromosomes by the Exome Aggregation Co nsortium (ExAC; dbSNP rs375204371). Computationa l prediction tools and conservation analysis do not provide strong support for o r against an impact to the protein. In summary, while the clinical significance of the p.Ser22600Arg variant is uncertain, its frequency suggests that it is mor e likely to be benign.